The following is an entry in ClinVar:

ClinVar aggregate classification (germline): Uncertain significance (1 of 4 stars; one submission).

Allele frequency attached by ClinVar (database versions not stated): gnomAD 0.00001.
gnomAD v4.1: 1 of 1,596,734 alleles (0.000063%); highest among the groups gnomAD compares: South Asian, 0.0011%; no homozygotes.

Submission:

Labcorp Genetics (formerly Invitae), Labcorp
Classification: Uncertain significance. Last evaluated: 2021-04-22. Review status: criteria provided, single submitter. Criteria: Invitae Variant Classification Sherloc (09022015). Collection method: clinical testing. Allele origin: germline.
Comment: This sequence change replaces proline with threonine at codon 1042 of the PCDH15 protein (p.Pro1042Thr). The proline residue is highly conserved and there is a small physicochemical difference between proline and threonine. This variant is not present in population databases (ExAC no frequency). This variant has not been reported in the literature in individuals with PCDH15-related conditions. Algorithms developed to predict the effect of missense changes on protein structure and function are either unavailable or do not agree on the potential impact of this missense change (SIFT: "Tolerated"; PolyPhen-2: "Possibly Damaging"; Align-GVGD: "Class C0"). In summary, the available evidence is currently insufficient to determine the role of this variant in disease. Therefore, it has been classified as a Variant of Uncertain Significance.

NM_001384140.1(PCDH15):c.3124C>A (p.Pro1042Thr)

Gene: PCDH15 (protocadherin related 15; minus strand). Cytogenetic location: 10q21.1.
Variant type: single nucleotide variant.
Coding change: c.3124C>A on transcript NM_001384140.1 (MANE Select); coding-DNA position 3124, C replaced by A.
Protein change: p.Pro1042Thr; replaces proline 1042 with threonine.
Molecular consequence: missense variant.
Genome position (GRCh38, 1-based): chr10:53,940,974, G>T on the plus strand (C>A on the coding strand, the complement: PCDH15 is on the minus strand). VCF-style: chr10-53940974-G-T. GRCh37 (hg19) VCF-style: chr10-55700734-G-T.
Other names: c.3139C>A, p.Pro1047Thr (NM_001142763.2, NM_001142771.2); c.3124C>A, p.Pro1042Thr (NM_001142764.2, NM_001142766.2, NM_001142770.3 and 4 more transcripts); c.2911C>A, p.Pro971Thr (NM_001142765.2); c.3013C>A, p.Pro1005Thr (NM_001142767.2); c.3058C>A, p.Pro1020Thr (NM_001142768.2, NM_001142773.2, NM_001354404.2); c.3160C>A, p.Pro1054Thr (NM_001142769.4); c.3145C>A, p.Pro1049Thr (NM_001354411.2); short protein forms P1047T, P1049T, P1054T, P1042T, P1005T, P971T, P1020T.
Identifiers: ClinVar variation 2146637 (VCV002146637.1), dbSNP rs2086009622, ClinGen allele CA376517834.